The following is an entry in ClinVar:

ClinVar aggregate classification (germline): Likely benign. Review status: criteria provided, single submitter (1 of 4 stars). 2 submissions from 2 submitters: Likely benign (1). 1 of the submissions does not count toward it. Last evaluated 2022-10-01.

Conditions:
ULK4-related disorder. Also called: ULK4-related condition.

Allele frequency attached by ClinVar (database versions not stated): 1000 Genomes Project 30x 0.00016; 1000 Genomes Project 0.00020; ExAC 0.00072; gnomAD 0.00096; TOPMed 0.00102; ESP Exome Variant Server 0.00110; gnomAD exomes 0.00112.
gnomAD v4.1: 1,765 of 1,613,520 alleles (0.11%); highest among the groups gnomAD compares: Non-Finnish European, 0.14%; 1 homozygote.

Submissions (2):

CeGaT Center for Human Genetics Tuebingen
Classification: Likely benign. Last evaluated: 2022-10-01. Review status: criteria provided, single submitter. Criteria: CeGaT Center For Human Genetics Tuebingen Variant Classification Criteria Version 2. Collection method: clinical testing. Allele origin: germline. Affected: yes. Observed: 1 variant allele.
Comment: ULK4: BP4, BP7

PreventionGenetics, part of Exact Sciences
Classification: Likely benign for ULK4-related condition. Last evaluated: 2019-09-10. Review status: no assertion criteria provided. Collection method: clinical testing. Allele origin: germline. Not counted in ClinVar's aggregate classification.
Comment: This variant is classified as likely benign based on ACMG/AMP sequence variant interpretation guidelines (Richards et al. 2015 PMID: 25741868, with internal and published modifications).

NM_017886.4(ULK4):c.2217T>C (p.Arg739=)

Gene: ULK4 (unc-51 like kinase 4; minus strand). Cytogenetic location: 3p22.1.
Variant type: single nucleotide variant.
Coding change: c.2217T>C on transcript NM_017886.4 (MANE Select); coding-DNA position 2217, T replaced by C.
Protein change: p.Arg739=; no amino-acid change (arginine 739 retained).
Molecular consequence: synonymous variant. On other transcripts: non-coding transcript variant (1).
Genome position (GRCh38, 1-based): chr3:41,754,465, A>G on the plus strand (T>C on the coding strand, the complement: ULK4 is on the minus strand). VCF-style: chr3-41754465-A-G. GRCh37 (hg19) VCF-style: chr3-41795957-A-G.
Other names: c.2217T>C, p.Arg739= (NM_001322500.2); c.1311T>C, p.Arg437= (NM_001322501.2); c.2217T>C (NM_017886.3).
Identifiers: ClinVar variation 2653697 (VCV002653697.25), dbSNP rs192020899, ClinGen allele CA2331956.